The following is an entry in ClinVar:

NM_022575.4(VPS16):c.2033G>T (p.Arg678Leu)

Genes: PTPRA (protein tyrosine phosphatase receptor type A; plus strand), VPS16 (VPS16 core subunit of CORVET and HOPS complexes; plus strand). Cytogenetic location: 20p13.
Variant type: single nucleotide variant.
Coding change: c.2033G>T on transcript NM_022575.4 (MANE Select); coding-DNA position 2033, G replaced by T.
Protein change: p.Arg678Leu; replaces arginine 678 with leucine.
Molecular consequence: missense variant. On other transcripts: 5 prime UTR variant (1).
Genome position (GRCh38, 1-based): chr20:2,865,176, G>T. VCF-style: chr20-2865176-G-T. GRCh37 (hg19) VCF-style: chr20-2845822-G-T.
Other names: c.-270G>T (NM_002836.4); c.1601G>T, p.Arg534Leu (NM_080413.3); short protein forms R534L, R678L.
Identifiers: ClinVar variation 2652164 (VCV002652164.22), dbSNP rs765879503, ClinGen allele CA408062310.

ClinVar aggregate classification (germline): Uncertain significance (1 of 4 stars; one submission).

gnomAD v4.1: 1 of 1,614,110 alleles (0.000062%); highest among the groups gnomAD compares: Non-Finnish European, 0.000085%; no homozygotes.

Submission:

CeGaT Center for Human Genetics Tuebingen
Classification: Uncertain significance. Last evaluated: 2023-05-01. Review status: criteria provided, single submitter. Criteria: CeGaT Center For Human Genetics Tuebingen Variant Classification Criteria Version 2. Collection method: clinical testing. Allele origin: germline. Affected: yes. Observed: 1 variant allele.
Comment: VPS16: PM2